The following is an entry in ClinVar:

ClinVar aggregate classification (germline): Likely benign (0 of 4 stars; one submission).

Conditions:
CFAP410-related disorder. Also called: CFAP410-related condition.

Allele frequency attached by ClinVar (database versions not stated): gnomAD exomes 0.00001.
gnomAD v4.1: 5 of 1,559,726 alleles (0.00032%); highest among the groups gnomAD compares: South Asian, 0.0058%; no homozygotes.

Submission:

PreventionGenetics, part of Exact Sciences
Classification: Likely benign for CFAP410-related condition. Last evaluated: 2019-05-28. Review status: no assertion criteria provided. Collection method: clinical testing. Allele origin: germline.
Comment: This variant is classified as likely benign based on ACMG/AMP sequence variant interpretation guidelines (Richards et al. 2015 PMID: 25741868, with internal and published modifications).

NM_004928.3(CFAP410):c.*4C>T

Gene: CFAP410 (cilia and flagella associated protein 410; minus strand). Cytogenetic location: 21q22.3.
Variant type: single nucleotide variant.
Coding change: c.*4C>T on transcript NM_004928.3 (MANE Select); 4 bases downstream of the stop codon, C replaced by T.
Molecular consequence: 3 prime UTR variant.
Genome position (GRCh38, 1-based): chr21:44,330,194, G>A on the plus strand (C>T on the coding strand, the complement: CFAP410 is on the minus strand). VCF-style: chr21-44330194-G-A. GRCh37 (hg19) VCF-style: chr21-45750077-G-A.
Other names: c.*4C>T (NM_001271440.2, NM_001271441.2, NM_001271442.1).
Identifiers: ClinVar variation 3039676 (VCV003039676.2), dbSNP rs1398011270, ClinGen allele CA638494289.